The following is an entry in ClinVar:

NM_004360.5(CDH1):c.42dup (p.Leu15fs)

Gene: CDH1 (cadherin 1; plus strand). Cytogenetic location: 16q22.1.
Variant type: Duplication.
Coding change: c.42dup on transcript NM_004360.5 (MANE Select); coding-DNA position 42, one base duplicated (G; older notation c.42dupG).
Protein change: p.Leu15fs; shifts the reading frame from leucine 15.
Molecular consequence: frameshift variant. On other transcripts: 5 prime UTR variant (2).
Genome position (GRCh38, 1-based): chr16:68,737,457, G duplicated. VCF-style (leftmost placement, unchanged base first): chr16-68737456-T-TG. GRCh37 (hg19) VCF-style: chr16-68771359-T-TG.
Other names: c.42dup, p.Leu15fs (NM_001317184.2); c.-1574dup (NM_001317185.2); c.-1778dup (NM_001317186.2); short protein forms L15fs.
Identifiers: ClinVar variation 2583748 (VCV002583748.5), dbSNP rs2543814251, ClinGen allele CA2582342541.
Genomic context (GRCh38, chr16:68,737,456, plus strand): 5'-CTCGGCGTCCCCGGCCAGCCATGGGCCCTTGGAGCCGCAGCCTCTCGGCGCTGCTGCTGC[T>TG]GCTGCAGGTACCCCGGATCCCCTGACTTGCGAGGGACGCATTCGGGCCGCAAGCTCCGCG-3'

ClinVar aggregate classification (germline): Pathogenic. Review status: criteria provided, multiple submitters, no conflicts (2 of 4 stars). 2 submissions from 2 submitters: Pathogenic (2). Last evaluated 2023-06-08.

Conditions:
Hereditary diffuse gastric adenocarcinoma (HDGC). Also called: DIFFUSE GASTRIC AND LOBULAR BREAST CANCER SYNDROME. Identifiers: Orphanet 26106, MedGen C1708349, MONDO:0007648, OMIM 137215.

Submissions (2):

Myriad Genetics, Inc.
Classification: Pathogenic for Hereditary diffuse gastric adenocarcinoma. Last evaluated: 2023-06-08. Review status: criteria provided, single submitter. Criteria: Myriad Autosomal Dominant, Autosomal Recessive and X-Linked Classification Criteria (2023). Collection method: clinical testing. Allele origin: unknown.
Comment: This variant is considered pathogenic. This variant creates a frameshift predicted to result in premature protein truncation.

Labcorp Genetics (formerly Invitae), Labcorp
Classification: Pathogenic for Hereditary diffuse gastric adenocarcinoma. Last evaluated: 2022-11-09. Review status: criteria provided, single submitter. Criteria: Invitae Variant Classification Sherloc (09022015). Collection method: clinical testing. Allele origin: germline.
Comment: This variant has not been reported in the literature in individuals affected with CDH1-related conditions. This variant is not present in population databases (gnomAD no frequency). This sequence change creates a premature translational stop signal (p.Leu15Alafs*19) in the CDH1 gene. It is expected to result in an absent or disrupted protein product. Loss-of-function variants in CDH1 are known to be pathogenic (PMID: 15235021, 20373070). For these reasons, this variant has been classified as Pathogenic.

Literature cited by the submitters: PubMed 15235021 (cited by Labcorp Genetics (formerly Invitae), Labcorp); PubMed 20373070 (cited by Labcorp Genetics (formerly Invitae), Labcorp).